The following is an entry in ClinVar:

ClinVar aggregate classification (germline): Uncertain significance. Review status: criteria provided, multiple submitters, no conflicts (2 of 4 stars). 4 submissions from 4 submitters: Uncertain significance (4). Last evaluated 2025-07-31.

Conditions:
NPHP4-related disorder. Also called: NPHP4-related condition; NPHP4-related disorders. Identifiers: MedGen CN239384.
Nephronophthisis. Also called: Juvenile Nephronophthisis. Identifiers: Orphanet 655, MedGen C0687120, MONDO:0019005, HP:0000090.
Senior-Loken syndrome 4 (SLSN4). Identifiers: Orphanet 3156, MedGen C1846979, MONDO:0011756, OMIM 606996.
Nephronophthisis 4 (NPHP4). Also called: NEPHRONOPHTHISIS 4, JUVENILE. Identifiers: Orphanet 655, MedGen C1847013, MONDO:0011752, OMIM 606966.

Allele frequency attached by ClinVar (database versions not stated): gnomAD exomes 0.00002 and 0.00004; ExAC 0.00005; TOPMed 0.00005.
gnomAD v4.1: 12 of 1,605,498 alleles (0.00075%); highest among the groups gnomAD compares: Admixed American, 0.02%; no homozygotes.

Submissions (4):

PreventionGenetics, part of Exact Sciences
Classification: Uncertain significance for NPHP4-related condition. Last evaluated: 2025-07-31. Review status: criteria provided, single submitter. Criteria: ACMG Guidelines, 2015. Collection method: clinical testing. Allele origin: germline.
Comment: The NPHP4 c.503A>G variant is predicted to result in the amino acid substitution p.Gln168Arg. To our knowledge, this variant has not been reported in the literature. This variant is reported in 0.030% of alleles in individuals of Latino descent in gnomAD. At this time, the clinical significance of this variant is uncertain due to the absence of conclusive functional and genetic evidence.

Labcorp Genetics (formerly Invitae), Labcorp
Classification: Uncertain significance for Nephronophthisis. Last evaluated: 2022-12-06. Review status: criteria provided, single submitter. Criteria: Invitae Variant Classification Sherloc (09022015). Collection method: clinical testing. Allele origin: germline.
Comment: In summary, the available evidence is currently insufficient to determine the role of this variant in disease. Therefore, it has been classified as a Variant of Uncertain Significance. This sequence change replaces glutamine, which is neutral and polar, with arginine, which is basic and polar, at codon 168 of the NPHP4 protein (p.Gln168Arg). This variant is present in population databases (rs762284065, gnomAD 0.03%). This variant has not been reported in the literature in individuals affected with NPHP4-related conditions. ClinVar contains an entry for this variant (Variation ID: 502367). Advanced modeling of protein sequence and biophysical properties (such as structural, functional, and spatial information, amino acid conservation, physicochemical variation, residue mobility, and thermodynamic stability) has been performed at Invitae for this missense variant, however the output from this modeling did not meet the statistical confidence thresholds required to predict the impact of this variant on NPHP4 protein function.

Fulgent Genetics
Classification: Uncertain significance for Nephronophthisis 4; Senior-Loken syndrome 4. Last evaluated: 2022-04-15. Review status: criteria provided, single submitter. Criteria: ACMG Guidelines, 2015. Collection method: clinical testing. Allele origin: unknown.

Eurofins Ntd Llc (ga)
Classification: Uncertain significance. Last evaluated: 2017-05-31. Review status: criteria provided, single submitter. Criteria: EGL Classification Definitions 2015. Collection method: clinical testing. Allele origin: germline. Observed: 1 variant allele, 1 heterozygote.

NM_015102.5(NPHP4):c.503A>G (p.Gln168Arg)

Gene: NPHP4 (nephrocystin 4; minus strand). Cytogenetic location: 1p36.31.
Variant type: single nucleotide variant.
Coding change: c.503A>G on transcript NM_015102.5 (MANE Select); coding-DNA position 503, A replaced by G.
Protein change: p.Gln168Arg; replaces glutamine 168 with arginine.
Molecular consequence: missense variant. On other transcripts: 5 prime UTR variant (2), non-coding transcript variant (1).
Genome position (GRCh38, 1-based): chr1:5,967,313, T>C on the plus strand (A>G on the coding strand, the complement: NPHP4 is on the minus strand). VCF-style: chr1-5967313-T-C. GRCh37 (hg19) VCF-style: chr1-6027373-T-C.
Other names: c.503A>G (NM_015102.4); c.-727A>G (NM_001291593.2); c.-864A>G (NM_001291594.2); short protein forms Q168R.
Identifiers: ClinVar variation 502367 (VCV000502367.11), dbSNP rs762284065, ClinGen allele CA554830.